The following is an entry in ClinVar:

ClinVar aggregate classification (germline): Likely pathogenic. Review status: criteria provided, single submitter (1 of 4 stars). 2 submissions from 2 submitters: Likely pathogenic (1). 1 of the submissions does not count toward it. Last evaluated 2022-01-03.

Conditions:
Developmental and epileptic encephalopathy, 1 (DEE1). Also called: OHTAHARA SYNDROME, X-LINKED; Epileptic encephalopathy, early infantile, 1; X-linked infantile spasms; West's syndrome; Tonic spasms with clustering, arrest of psychomotor development and hypsarrhythmia on EEG; X-Linked Infantile Spasm Syndrome. Identifiers: MedGen C3463992, MONDO:0010632, OMIM 308350. Disease mechanism: loss of function.
Developmental and epileptic encephalopathy, 7 (DEE7). Also called: Early infantile epileptic encephalopathy 7; KCNQ2-Related Neonatal Epileptic Encephalopathy; KCNQ2-Related Neonatal-Onset Developmental and Epileptic Encephalopathy (NEO-DEE). Identifiers: Orphanet 439218, MedGen C3150986, MONDO:0013387, OMIM 613720.

Submissions (2):

Institute of Human Genetics, University of Leipzig Medical Center
Classification: Likely pathogenic for Developmental and epileptic encephalopathy, 7. Last evaluated: 2022-01-03. Review status: criteria provided, single submitter. Criteria: ACMG Guidelines, 2015. Collection method: clinical testing. Allele origin: de novo. Affected: yes.
Comment: This variant was identified as de novo (maternity and paternity confirmed)._x000D_ Criteria applied: PS2_MOD, PS4_SUP, PM2_SUP, PM5_SUP, PP2, PP3

Centre de Biologie Pathologie Génétique, Centre Hospitalier Universitaire de Lille
Classification: Pathogenic for Epileptic encephalopathy, early infantile, 1. Last evaluated: 2019-01-01. Review status: no assertion criteria provided. Collection method: clinical testing. Allele origin: de novo. Affected: yes. Not counted in ClinVar's aggregate classification.

NM_172107.4(KCNQ2):c.1046C>T (p.Thr349Ile)

Gene: KCNQ2 (potassium voltage-gated channel subfamily Q member 2; minus strand). Cytogenetic location: 20q13.33.
Variant type: single nucleotide variant.
Coding change: c.1046C>T on transcript NM_172107.4 (MANE Select); coding-DNA position 1046, C replaced by T.
Protein change: p.Thr349Ile; replaces threonine 349 with isoleucine.
Molecular consequence: missense variant.
Genome position (GRCh38, 1-based): chr20:63,433,881, G>A on the plus strand (C>T on the coding strand, the complement: KCNQ2 is on the minus strand). VCF-style: chr20-63433881-G-A. GRCh37 (hg19) VCF-style: chr20-62065234-G-A.
Other names: c.1046C>T, p.Thr349Ile (NM_001382235.1, NM_004518.6, NM_172106.3 and 2 more transcripts); short protein forms T349I.
Identifiers: ClinVar variation 975417 (VCV000975417.3), dbSNP rs2080906453, ClinGen allele CA409651222.